The following is an entry in ClinVar:

NM_001256317.3(TMPRSS3):c.95-2A>G

Gene: TMPRSS3 (transmembrane serine protease 3; minus strand). Cytogenetic location: 21q22.3.
Variant type: single nucleotide variant.
Coding change: c.95-2A>G on transcript NM_001256317.3 (MANE Select); the canonical splice acceptor site of the intron before coding-DNA position 95, A replaced by G.
Molecular consequence: splice acceptor variant.
Genome position (GRCh38, 1-based): chr21:42,390,039, T>C on the plus strand (A>G on the coding strand, the complement: TMPRSS3 is on the minus strand). VCF-style: chr21-42390039-T-C. GRCh37 (hg19) VCF-style: chr21-43810148-T-C.
Other names: c.95-2A>G (NM_024022.4, NM_032405.2).
Identifiers: ClinVar variation 5040477 (VCV005040477.1).

ClinVar aggregate classification (germline): Uncertain significance (1 of 4 stars; one submission).

gnomAD v4.1: 3 of 1,612,070 alleles (0.00019%); highest among the groups gnomAD compares: South Asian, 0.0033%; no homozygotes.

Submission:

CeGaT Center for Human Genetics Tuebingen
Classification: Uncertain significance. Last evaluated: 2026-08-01. Review status: criteria provided, single submitter. Criteria: CeGaT Center For Human Genetics Tuebingen Variant Classification Criteria Version 2. Collection method: clinical testing. Allele origin: germline. Affected: yes. Observed: 1 variant allele.
Comment: TMPRSS3: PM2, PVS1:Moderate